The following is an entry in ClinVar:

ClinVar aggregate classification (germline): Uncertain significance (1 of 4 stars; one submission).

Conditions:
CHARGE syndrome (CHARGE). Also called: Hittner Hirsch Kreh syndrome; CHARGE ASSOCIATION--COLOBOMA, HEART ANOMALY, CHOANAL ATRESIA, RETARDATION, GENITAL AND EAR ANOMALIES; Coloboma, heart anomaly, choanal atresia, retardation, genital and ear anomalies; CHARGE association; Hall-Hittner syndrome. Identifiers: Orphanet 138, MedGen C0265354, MONDO:0008965.

Allele frequency attached by ClinVar (database versions not stated): gnomAD exomes 0.00001; TOPMed 0.00001.
gnomAD v4.1: 4 of 1,613,838 alleles (0.00025%); highest among the groups gnomAD compares: Non-Finnish European, 0.00034%; no homozygotes.

Submission:

Labcorp Genetics (formerly Invitae), Labcorp
Classification: Uncertain significance for CHARGE syndrome. Last evaluated: 2022-07-10. Review status: criteria provided, single submitter. Criteria: Invitae Variant Classification Sherloc (09022015). Collection method: clinical testing. Allele origin: germline.
Comment: This sequence change replaces glutamine, which is neutral and polar, with lysine, which is basic and polar, at codon 202 of the CHD7 protein (p.Gln202Lys). In summary, the available evidence is currently insufficient to determine the role of this variant in disease. Therefore, it has been classified as a Variant of Uncertain Significance. Advanced modeling of protein sequence and biophysical properties (such as structural, functional, and spatial information, amino acid conservation, physicochemical variation, residue mobility, and thermodynamic stability) performed at Invitae indicates that this missense variant is not expected to disrupt CHD7 protein function. This variant has not been reported in the literature in individuals affected with CHD7-related conditions. This variant is not present in population databases (gnomAD no frequency).

NM_017780.4(CHD7):c.604C>A (p.Gln202Lys)

Gene: CHD7 (chromodomain helicase DNA binding protein 7; plus strand). Cytogenetic location: 8q12.2.
Variant type: single nucleotide variant.
Coding change: c.604C>A on transcript NM_017780.4 (MANE Select); coding-DNA position 604, C replaced by A.
Protein change: p.Gln202Lys; replaces glutamine 202 with lysine.
Molecular consequence: missense variant.
Genome position (GRCh38, 1-based): chr8:60,742,036, C>A. VCF-style: chr8-60742036-C-A. GRCh37 (hg19) VCF-style: chr8-61654595-C-A.
Other names: c.604C>A, p.Gln202Lys (NM_001316690.1); short protein forms Q202K.
Identifiers: ClinVar variation 2067988 (VCV002067988.4), dbSNP rs1554581277, ClinGen allele CA371298324.